The following is an entry in ClinVar:

ClinVar aggregate classification (germline): Likely pathogenic. Review status: criteria provided, multiple submitters, no conflicts (2 of 4 stars). 3 submissions from 3 submitters: Likely pathogenic (3). Last evaluated 2024-05-06.

Conditions:
CEP164-related disorder. Also called: CEP164-related condition.
Nephronophthisis 15 (NPHP15). Identifiers: Orphanet 3156, MedGen C3541853, MONDO:0013917, OMIM 614845.

Allele frequency attached by ClinVar (database versions not stated): gnomAD exomes below 0.00001; TOPMed 0.00001.
gnomAD v4.1: 4 of 1,602,142 alleles (0.00025%); highest among the groups gnomAD compares: Non-Finnish European, 0.00034%; no homozygotes.

Submissions (3):

Labcorp Genetics (formerly Invitae), Labcorp
Classification: Likely pathogenic for Nephronophthisis 15. Last evaluated: 2024-05-06. Review status: criteria provided, single submitter. Criteria: Invitae Variant Classification Sherloc (09022015). Collection method: clinical testing. Allele origin: germline.
Comment: This sequence change affects an acceptor splice site in intron 29 of the CEP164 gene. It is expected to disrupt RNA splicing. Variants that disrupt the donor or acceptor splice site typically lead to a loss of protein function (PMID: 16199547), and loss-of-function variants in CEP164 are known to be pathogenic (PMID: 22863007, 28125082, 32367404, 34132027, 34499853). This variant is not present in population databases (gnomAD no frequency). This variant has not been reported in the literature in individuals affected with CEP164-related conditions. ClinVar contains an entry for this variant (Variation ID: 1019779). Algorithms developed to predict the effect of sequence changes on RNA splicing suggest that this variant may disrupt the consensus splice site. In summary, the currently available evidence indicates that the variant is pathogenic, but additional data are needed to prove that conclusively. Therefore, this variant has been classified as Likely Pathogenic.

Blueprint Genetics
Classification: Likely pathogenic for CEP164-related disorders. Last evaluated: 2022-01-31. Review status: criteria provided, single submitter. Criteria: ACMG Guidelines, 2015. Collection method: clinical testing. Allele origin: germline. Affected: yes. Observed: 2 variant alleles.

Fulgent Genetics
Classification: Likely pathogenic for Nephronophthisis 15. Last evaluated: 2021-11-29. Review status: criteria provided, single submitter. Criteria: ACMG Guidelines, 2015. Collection method: clinical testing. Allele origin: unknown.

Literature cited by the submitters: PubMed 16199547 (cited by Labcorp Genetics (formerly Invitae), Labcorp); PubMed 22863007 (cited by Labcorp Genetics (formerly Invitae), Labcorp); PubMed 28125082 (cited by Labcorp Genetics (formerly Invitae), Labcorp); PubMed 32367404 (cited by Labcorp Genetics (formerly Invitae), Labcorp); PubMed 34132027 (cited by Labcorp Genetics (formerly Invitae), Labcorp); PubMed 34499853 (cited by Labcorp Genetics (formerly Invitae), Labcorp).

NM_014956.5(CEP164):c.3749-2A>G

Gene: CEP164 (centrosomal protein 164; plus strand). Cytogenetic location: 11q23.3.
Variant type: single nucleotide variant.
Coding change: c.3749-2A>G on transcript NM_014956.5 (MANE Select); the canonical splice acceptor site of the intron before coding-DNA position 3749, A replaced by G.
Molecular consequence: splice acceptor variant.
Genome position (GRCh38, 1-based): chr11:117,409,616, A>G. VCF-style: chr11-117409616-A-G. GRCh37 (hg19) VCF-style: chr11-117280332-A-G.
Other names: c.3734-2A>G (NM_001271933.2).
Identifiers: ClinVar variation 1019779 (VCV001019779.9), dbSNP rs1482717760, ClinGen allele CA382743175.
Genomic context (GRCh38, chr11:117,409,616, plus strand): 5'-CTGGGAATGGTCCAGGGTCCTGAGCTTGAGTCCCTTCCCACCATCCACCTCTTTTCTTTC[A>G]GTCGACTCAACCCCGAGTCTCACCTCCCGCAAGATCCACGGGCTTAGCCACTCCCTCCGG-3'